The following is an entry in ClinVar:

NM_001018055.3(BRCC3):c.414A>G (p.Thr138=)

Gene: BRCC3 (BRCA1/BRCA2-containing complex subunit 3; plus strand). Cytogenetic location: Xq28.
Variant type: single nucleotide variant.
Coding change: c.414A>G on transcript NM_001018055.3 (MANE Select); coding-DNA position 414, A replaced by G.
Protein change: p.Thr138=; no amino-acid change (threonine 138 retained).
Molecular consequence: synonymous variant.
Genome position (GRCh38, 1-based): chrX:155,089,273, A>G. VCF-style: chrX-155089273-A-G. GRCh37 (hg19) VCF-style: chrX-154317548-A-G.
Other names: c.417A>G, p.Thr139= (NM_001242640.2); c.414A>G, p.Thr138= (NM_024332.4).
Identifiers: ClinVar variation 3388785 (VCV003388785.14).

ClinVar aggregate classification (germline): Likely benign (1 of 4 stars; one submission).

gnomAD v4.1: 107 of 1,174,755 alleles (0.0091%); highest among the groups gnomAD compares: Non-Finnish European, 0.012%; no homozygotes.

Submission:

CeGaT Center for Human Genetics Tuebingen
Classification: Likely benign. Last evaluated: 2024-10-01. Review status: criteria provided, single submitter. Criteria: CeGaT Center For Human Genetics Tuebingen Variant Classification Criteria Version 2. Collection method: clinical testing. Allele origin: germline. Affected: yes. Observed: 1 variant allele.
Comment: BRCC3: BP4, BP7, BS2